The following is an entry in ClinVar:

ClinVar aggregate classification (germline): Likely benign. Review status: criteria provided, multiple submitters, no conflicts (2 of 4 stars). 2 submissions from 2 submitters: Likely benign (2). Last evaluated 2026-01-14.

Conditions:
Junctional epidermolysis bullosa. Identifiers: Orphanet 305, MedGen C0079301, MONDO:0017612.

Allele frequency attached by ClinVar (database versions not stated): gnomAD 0.00013 and 0.00017; TOPMed 0.00020; ExAC 0.00035; 1000 Genomes Project 30x 0.00109; 1000 Genomes Project 0.00140.
gnomAD v4.1: 211 of 1,613,976 alleles (0.013%); highest among the groups gnomAD compares: East Asian, 0.29%; 1 homozygote.

Submissions (2):

Labcorp Genetics (formerly Invitae), Labcorp
Classification: Likely benign. Last evaluated: 2026-01-14. Review status: criteria provided, single submitter. Criteria: Invitae Variant Classification Sherloc (09022015). Collection method: clinical testing. Allele origin: germline.

Illumina Laboratory Services, Illumina
Classification: Likely benign for Junctional epidermolysis bullosa. Last evaluated: 2018-01-12. Review status: criteria provided, single submitter. Criteria: ICSL Variant Classification Criteria 13 December 2019. Collection method: clinical testing. Allele origin: germline.
Comment: This variant was observed in the ICSL laboratory as part of a predisposition screen in an ostensibly healthy population. It had not been previously curated by ICSL or reported in the Human Gene Mutation Database (HGMD: prior to June 1st, 2018), and was therefore a candidate for classification through an automated scoring system. Utilizing variant allele frequency, disease prevalence and penetrance estimates, and inheritance mode, an automated score was calculated to assess if this variant is too frequent to cause the disease. Based on the score and internal cut-off values, a variant classified as likely benign is not then subjected to further curation. The score for this variant resulted in a classification of likely benign for this disease.

NM_005562.3(LAMC2):c.589C>T (p.Arg197Cys)

Gene: LAMC2 (laminin subunit gamma 2; plus strand). Cytogenetic location: 1q25.3.
Variant type: single nucleotide variant.
Coding change: c.589C>T on transcript NM_005562.3 (MANE Select); coding-DNA position 589, C replaced by T.
Protein change: p.Arg197Cys; replaces arginine 197 with cysteine.
Molecular consequence: missense variant.
Genome position (GRCh38, 1-based): chr1:183,220,910, C>T. VCF-style: chr1-183220910-C-T. GRCh37 (hg19) VCF-style: chr1-183190045-C-T.
Other names: c.589C>T, p.Arg197Cys (NM_018891.3); short protein forms R197C.
Identifiers: ClinVar variation 293995 (VCV000293995.15), dbSNP rs184817147, ClinGen allele CA1282373.